The following is an entry in ClinVar:

NM_018136.5(ASPM):c.6919C>A (p.Gln2307Lys)

Gene: ASPM (assembly factor for spindle microtubules; minus strand). Cytogenetic location: 1q31.3.
Variant type: single nucleotide variant.
Coding change: c.6919C>A on transcript NM_018136.5 (MANE Select); coding-DNA position 6919, C replaced by A.
Protein change: p.Gln2307Lys; replaces glutamine 2307 with lysine.
Molecular consequence: missense variant. On other transcripts: intron variant (1).
Genome position (GRCh38, 1-based): chr1:197,102,332, G>T on the plus strand (C>A on the coding strand, the complement: ASPM is on the minus strand). VCF-style: chr1-197102332-G-T. GRCh37 (hg19) VCF-style: chr1-197071462-G-T.
Other names: c.6919C>A (NM_018136.4); c.4066-6168C>A (NM_001206846.2); short protein forms Q2307K.
Identifiers: ClinVar variation 1419435 (VCV001419435.4), dbSNP rs142865061, ClinGen allele CA1309490.
Genomic context (GRCh38, chr1:197,102,332, plus strand): 5'-TCATCCATCTTCTGTATGATGACTGGATTTTAATAACTGCATTTTGTACCTGAAGGAACT[G>T]TAAGTGATGCTTTGTACAAAGATGTGCCCGATATTTTCTCTGAATCAAAATAGCAGTTTT-3'
Protein context (NP_060606.3, residues 2297-2317): RAHLCTKHHL[Gln2307Lys]FLQVQNAVIK

ClinVar aggregate classification (germline): Uncertain significance. Review status: criteria provided, multiple submitters, no conflicts (2 of 4 stars). 3 submissions from 3 submitters: Uncertain significance (3). Last evaluated 2023-04-11.

Conditions:
Inborn genetic diseases. Identifiers: MedGen C0950123, MeSH D030342.
Microcephaly 5, primary, autosomal recessive (MCPH5). Also called: ASPM Primary Microcephaly. Identifiers: Orphanet 2512, MedGen C1837501, MONDO:0012106, OMIM 608716.

Allele frequency attached by ClinVar (database versions not stated): 1000 Genomes Project 30x 0.00031; gnomAD 0.00005.
gnomAD v4.1: 11 of 1,612,608 alleles (0.00068%); highest among the groups gnomAD compares: African/African-American, 0.015%; no homozygotes.

Submissions (3):

Genome-Nilou Lab
Classification: Uncertain significance for Microcephaly 5, primary, autosomal recessive. Last evaluated: 2023-04-11. Review status: criteria provided, single submitter. Criteria: ACMG Guidelines, 2015. Collection method: clinical testing. Allele origin: germline. Affected: no.

Labcorp Genetics (formerly Invitae), Labcorp
Classification: Uncertain significance. Last evaluated: 2021-10-10. Review status: criteria provided, single submitter. Criteria: Invitae Variant Classification Sherloc (09022015). Collection method: clinical testing. Allele origin: germline.
Comment: This sequence change replaces glutamine with lysine at codon 2307 of the ASPM protein (p.Gln2307Lys). The glutamine residue is highly conserved and there is a small physicochemical difference between glutamine and lysine. This variant is present in population databases (rs142865061, ExAC 0.01%). This variant has not been reported in the literature in individuals affected with ASPM-related conditions. Algorithms developed to predict the effect of missense changes on protein structure and function (SIFT, PolyPhen-2, Align-GVGD) all suggest that this variant is likely to be tolerated. In summary, the available evidence is currently insufficient to determine the role of this variant in disease. Therefore, it has been classified as a Variant of Uncertain Significance.

Ambry Genetics
Classification: Uncertain significance for Inborn genetic diseases. Last evaluated: 2021-09-16. Review status: criteria provided, single submitter. Criteria: Ambry Variant Classification Scheme 2023. Collection method: clinical testing. Allele origin: germline.